The following is an entry in ClinVar:

NM_001127222.2(CACNA1A):c.3265G>T (p.Gly1089Cys)

Gene: CACNA1A (calcium voltage-gated channel subunit alpha1 A; minus strand). Cytogenetic location: 19p13.13.
Variant type: single nucleotide variant.
Coding change: c.3265G>T on transcript NM_001127222.2 (MANE Select); coding-DNA position 3265, G replaced by T.
Protein change: p.Gly1089Cys; replaces glycine 1089 with cysteine.
Molecular consequence: missense variant.
Genome position (GRCh38, 1-based): chr19:13,286,791, C>A on the plus strand (G>T on the coding strand, the complement: CACNA1A is on the minus strand). VCF-style: chr19-13286791-C-A. GRCh37 (hg19) VCF-style: chr19-13397605-C-A.
Other names: c.3277G>T, p.Gly1093Cys (NM_000068.4, NM_023035.3); c.3268G>T, p.Gly1090Cys (NM_001127221.2, NM_001174080.2); c.3265G>T (NM_001127222.1); short protein forms G1090C, G1093C, G1089C.
Identifiers: ClinVar variation 391877 (VCV000391877.62), dbSNP rs201311000, ClinGen allele CA9240371.

ClinVar aggregate classification (germline): Conflicting classifications of pathogenicity. Review status: criteria provided, conflicting classifications (1 of 4 stars). 10 submissions from 10 submitters: Uncertain significance (1); Benign (2); Likely benign (4). 3 of the submissions do not count toward it. Last evaluated 2026-04-01.

Conditions:
Episodic ataxia type 2 (EA2). Also called: ATAXIA, EPISODIC, WITH NYSTAGMUS; ATAXIA, FAMILIAL PAROXYSMAL; CEREBELLAR ATAXIA, PAROXYSMAL, ACETAZOLAMIDE-RESPONSIVE; CEREBELLOPATHY, HEREDITARY PAROXYSMAL; ACETAZOLAMIDE-RESPONSIVE HEREDITARY PAROXYSMAL CEREBELLAR ATAXIA; EPISODIC ATAXIA, NYSTAGMUS-ASSOCIATED. Identifiers: Orphanet 97, MedGen C1720416, MONDO:0007163, OMIM 108500.
Inborn genetic diseases. Identifiers: MedGen C0950123, MeSH D030342.
Developmental and epileptic encephalopathy, 42 (DEE42A). Also called: DEVELOPMENTAL AND EPILEPTIC ENCEPHALOPATHY 42A; EPILEPTIC ENCEPHALOPATHY, EARLY INFANTILE, 42A; Epileptic encephalopathy, early infantile, 42. Identifiers: MedGen C4310716, MONDO:0014917, OMIM 617106.
CACNA1A-related disorder. Also called: CACNA1A-related condition.

Allele frequency attached by ClinVar (database versions not stated): 1000 Genomes Project 30x 0.00016; ESP Exome Variant Server 0.00017; TOPMed 0.00019.
gnomAD v4.1: 406 of 1,612,540 alleles (0.025%); highest among the groups gnomAD compares: Middle Eastern, 0.05%; no homozygotes.

Submissions (10):

CeGaT Center for Human Genetics Tuebingen
Classification: Likely benign. Last evaluated: 2026-04-01. Review status: criteria provided, single submitter. Criteria: CeGaT Center For Human Genetics Tuebingen Variant Classification Criteria Version 2. Collection method: clinical testing. Allele origin: germline. Affected: yes. Observed: 8 variant alleles.
Comment: CACNA1A: PP2, BS1

Labcorp Genetics (formerly Invitae), Labcorp
Classification: Likely benign for Developmental and epileptic encephalopathy, 42; Episodic ataxia type 2. Last evaluated: 2026-01-19. Review status: criteria provided, single submitter. Criteria: Invitae Variant Classification Sherloc (09022015). Collection method: clinical testing. Allele origin: germline.

Blueprint Genetics
Classification: Likely benign. Last evaluated: 2024-11-11. Review status: criteria provided, single submitter. Criteria: ACMG Guidelines, 2015. Collection method: clinical testing. Allele origin: germline.

Molecular Medicine for Neurodegenerative and Neuromuscular Diseases Unit, IRCCS Fondazione Stella Maris
Classification: Uncertain significance for Episodic ataxia type 2. Last evaluated: 2021-07-12. Review status: criteria provided, single submitter. Criteria: ACMG Guidelines, 2015. Collection method: research. Allele origin: unknown. Affected: yes.

GeneDx
Classification: Benign. Last evaluated: 2019-10-14. Review status: criteria provided, single submitter. Criteria: GeneDx Variant Classification Process June 2021. Collection method: clinical testing. Allele origin: germline. Affected: yes.

Ambry Genetics
Classification: Benign for Inborn genetic diseases. Last evaluated: 2019-02-25. Review status: criteria provided, single submitter. Criteria: Ambry Variant Classification Scheme 2023. Collection method: clinical testing. Allele origin: germline.

Athena Diagnostics
Classification: Likely benign. Last evaluated: 2018-06-25. Review status: criteria provided, single submitter. Criteria: Athena Diagnostics Criteria. Collection method: clinical testing. Allele origin: germline.

PreventionGenetics, part of Exact Sciences
Classification: Likely benign for CACNA1A-related condition. Last evaluated: 2021-02-04. Review status: no assertion criteria provided. Collection method: clinical testing. Allele origin: germline. Not counted in ClinVar's aggregate classification.
Comment: This variant is classified as likely benign based on ACMG/AMP sequence variant interpretation guidelines (Richards et al. 2015 PMID: 25741868, with internal and published modifications).

Clinical Genetics DNA and cytogenetics Diagnostics Lab, Erasmus MC, Erasmus Medical Center
Classification: Likely benign. Review status: no assertion criteria provided. Collection method: clinical testing. Allele origin: germline. Affected: yes. Study: VKGL Data-share Consensus. Not counted in ClinVar's aggregate classification.

Genome Diagnostics Laboratory, University Medical Center Utrecht
Classification: Likely benign. Review status: no assertion criteria provided. Collection method: clinical testing. Allele origin: germline. Affected: yes. Study: VKGL Data-share Consensus. Not counted in ClinVar's aggregate classification.